The following is an entry in ClinVar:

NM_000057.4(BLM):c.2096A>G (p.Tyr699Cys)

Gene: BLM (BLM RecQ like helicase; plus strand). Cytogenetic location: 15q26.1.
Variant type: single nucleotide variant.
Coding change: c.2096A>G on transcript NM_000057.4 (MANE Select); coding-DNA position 2096, A replaced by G.
Protein change: p.Tyr699Cys; replaces tyrosine 699 with cysteine.
Molecular consequence: missense variant.
Genome position (GRCh38, 1-based): chr15:90,765,317, A>G. VCF-style: chr15-90765317-A-G. GRCh37 (hg19) VCF-style: chr15-91308547-A-G.
Other names: c.2096A>G, p.Tyr699Cys (NM_001287246.2, NM_001287247.2); c.971A>G, p.Tyr324Cys (NM_001287248.2); short protein forms Y324C, Y699C.
Identifiers: ClinVar variation 1785794 (VCV001785794.6), dbSNP rs1420055119, ClinGen allele CA393844554.

ClinVar aggregate classification (germline): Uncertain significance. Review status: criteria provided, multiple submitters, no conflicts (2 of 4 stars). 2 submissions from 2 submitters: Uncertain significance (2). Last evaluated 2025-09-13.

Conditions:
Bloom syndrome (BLM). Also called: Bloom-Torre-Machacek syndrome. Identifiers: Orphanet 125, MedGen C0005859, MONDO:0008876, OMIM 210900.
Hereditary cancer-predisposing syndrome. Also called: Neoplastic Syndromes, Hereditary; Tumor predisposition; Hereditary Cancer Syndrome; Hereditary neoplastic syndrome. Identifiers: Orphanet 140162, MedGen C0027672, MeSH D009386, MONDO:0015356.

Allele frequency attached by ClinVar (database versions not stated): gnomAD exomes 0.00001.
gnomAD v4.1: 11 of 1,612,810 alleles (0.00068%); highest among the groups gnomAD compares: Non-Finnish European, 0.00093%; no homozygotes.

Submissions (2):

Labcorp Genetics (formerly Invitae), Labcorp
Classification: Uncertain significance for Bloom syndrome. Last evaluated: 2025-09-13. Review status: criteria provided, single submitter. Criteria: Invitae Variant Classification Sherloc (09022015). Collection method: clinical testing. Allele origin: germline.
Comment: This sequence change replaces tyrosine, which is neutral and polar, with cysteine, which is neutral and slightly polar, at codon 699 of the BLM protein (p.Tyr699Cys). This variant is present in population databases (no rsID available, gnomAD 0.002%). This variant has not been reported in the literature in individuals affected with BLM-related conditions. ClinVar contains an entry for this variant (Variation ID: 1785794). Invitae Evidence Modeling of protein sequence and biophysical properties (such as structural, functional, and spatial information, amino acid conservation, physicochemical variation, residue mobility, and thermodynamic stability) indicates that this missense variant is expected to disrupt BLM protein function with a positive predictive value of 80%. In summary, the available evidence is currently insufficient to determine the role of this variant in disease. Therefore, it has been classified as a Variant of Uncertain Significance.

Ambry Genetics
Classification: Uncertain significance for Hereditary cancer-predisposing syndrome. Last evaluated: 2024-01-13. Review status: criteria provided, single submitter. Criteria: Ambry Variant Classification Scheme 2023. Collection method: clinical testing. Allele origin: germline.
Comment: The p.Y699C variant (also known as c.2096A>G), located in coding exon 8 of the BLM gene, results from an A to G substitution at nucleotide position 2096. The tyrosine at codon 699 is replaced by cysteine, an amino acid with highly dissimilar properties. This amino acid position is conserved. In addition, this alteration is predicted to be deleterious by in silico analysis. Since supporting evidence is limited at this time, the clinical significance of this alteration remains unclear.